The following is an entry in ClinVar:

ClinVar aggregate classification (germline): Likely benign (1 of 4 stars; one submission).

Allele frequency attached by ClinVar (database versions not stated): TOPMed 0.00007; gnomAD exomes 0.00009; gnomAD 0.00010; ExAC 0.00011; ESP Exome Variant Server 0.00019.
gnomAD v4.1: 112 of 1,209,330 alleles (0.0093%); highest among the groups gnomAD compares: Non-Finnish European, 0.012%; no homozygotes.

Submission:

CeGaT Center for Human Genetics Tuebingen
Classification: Likely benign. Last evaluated: 2023-03-01. Review status: criteria provided, single submitter. Criteria: CeGaT Center For Human Genetics Tuebingen Variant Classification Criteria Version 2. Collection method: clinical testing. Allele origin: germline. Affected: yes. Observed: 1 variant allele.
Comment: FAM120C: BP4, BP7, BS2

NM_017848.6(FAM120C):c.2727G>A (p.Pro909=)

Gene: FAM120C (family with sequence similarity 120 member C; minus strand). Cytogenetic location: Xp11.22.
Variant type: single nucleotide variant.
Coding change: c.2727G>A on transcript NM_017848.6 (MANE Select); coding-DNA position 2727, G replaced by A.
Protein change: p.Pro909=; no amino-acid change (proline 909 retained).
Molecular consequence: synonymous variant. On other transcripts: intron variant (1).
Genome position (GRCh38, 1-based): chrX:54,085,827, C>T on the plus strand (G>A on the coding strand, the complement: FAM120C is on the minus strand). VCF-style: chrX-54085827-C-T. GRCh37 (hg19) VCF-style: chrX-54112260-C-T.
Other names: c.2428-4367G>A (NM_001300788.2).
Identifiers: ClinVar variation 2660652 (VCV002660652.24), dbSNP rs368833346, ClinGen allele CA10423797.
Genomic context (GRCh38, chrX:54,085,827, plus strand): 5'-TCGGGAATAAAGTGAAACAGGGTAGAGAGAGGGCACCATGGGAGGCACAAAAGTAGGTGA[C>T]GGAAGTAGAGCAGAAGGCGGTGGATGATTCATGTTGACTCCTTCAAGGATGCTCTGTCTC-3'
Protein context (NP_060318.4, residues 899-919): MNHPPPSALL[Pro909=]SPTFVPPMVP